The following is an entry in ClinVar:

ClinVar aggregate classification (germline): Uncertain significance (1 of 4 stars; one submission).

Conditions:
Jeune thoracic dystrophy. Also called: Jeune syndrome; Infantile thoracic dystrophy; Thoracic pelvic phalangeal dystrophy; Jeune's syndrome; Chondroectodermal dysplasia-like syndrome; Short-rib thoracic dysplasia. Identifiers: Orphanet 474, MedGen C0265275, MONDO:0018770.

Submission:

Labcorp Genetics (formerly Invitae), Labcorp
Classification: Uncertain significance for Jeune thoracic dystrophy. Last evaluated: 2024-03-05. Review status: criteria provided, single submitter. Criteria: Invitae Variant Classification Sherloc (09022015). Collection method: clinical testing. Allele origin: germline.
Comment: This sequence change replaces glycine, which is neutral and non-polar, with arginine, which is basic and polar, at codon 3456 of the DYNC2H1 protein (p.Gly3456Arg). This variant is not present in population databases (gnomAD no frequency). This variant has not been reported in the literature in individuals affected with DYNC2H1-related conditions. Advanced modeling of protein sequence and biophysical properties (such as structural, functional, and spatial information, amino acid conservation, physicochemical variation, residue mobility, and thermodynamic stability) performed at Invitae indicates that this missense variant is expected to disrupt DYNC2H1 protein function with a positive predictive value of 95%. In summary, the available evidence is currently insufficient to determine the role of this variant in disease. Therefore, it has been classified as a Variant of Uncertain Significance.

NM_001377.3(DYNC2H1):c.10345G>C (p.Gly3449Arg)

Gene: DYNC2H1 (dynein cytoplasmic 2 heavy chain 1; plus strand). Cytogenetic location: 11q22.3.
Variant type: single nucleotide variant.
Coding change: c.10345G>C on transcript NM_001377.3 (MANE Select); coding-DNA position 10345, G replaced by C.
Protein change: p.Gly3449Arg; replaces glycine 3449 with arginine.
Molecular consequence: missense variant.
Genome position (GRCh38, 1-based): chr11:103,256,124, G>C. VCF-style: chr11-103256124-G-C. GRCh37 (hg19) VCF-style: chr11-103126853-G-C.
Other names: c.10366G>C, p.Gly3456Arg (NM_001080463.2); short protein forms G3456R, G3449R.
Identifiers: ClinVar variation 3679881 (VCV003679881.2).